The following is an entry in ClinVar:

NM_005477.3(HCN4):c.2273G>A (p.Arg758His)

Gene: HCN4 (hyperpolarization activated cyclic nucleotide gated potassium channel 4; minus strand). Cytogenetic location: 15q24.1.
Variant type: single nucleotide variant.
Coding change: c.2273G>A on transcript NM_005477.3 (MANE Select); coding-DNA position 2273, G replaced by A.
Protein change: p.Arg758His; replaces arginine 758 with histidine.
Molecular consequence: missense variant.
Genome position (GRCh38, 1-based): chr15:73,323,820, C>T on the plus strand (G>A on the coding strand, the complement: HCN4 is on the minus strand). VCF-style: chr15-73323820-C-T. GRCh37 (hg19) VCF-style: chr15-73616161-C-T.
Other names: short protein forms R758H.
Identifiers: ClinVar variation 198828 (VCV000198828.16), dbSNP rs373284500, ClinGen allele CA247665.

ClinVar aggregate classification (germline): Conflicting classifications of pathogenicity. Review status: criteria provided, conflicting classifications (1 of 4 stars). 4 submissions from 4 submitters: Uncertain significance (3); Likely benign (1). Last evaluated 2026-02-01.

Conditions:
Cardiovascular phenotype. Identifiers: MedGen CN230736.
Brugada syndrome 8 (BRGDA8). Identifiers: Orphanet 130, MedGen C2751083, MONDO:0013148, OMIM 613123.

Allele frequency attached by ClinVar (database versions not stated): ExAC 0.00001; gnomAD 0.00001; gnomAD exomes 0.00001; TOPMed 0.00001; ESP Exome Variant Server 0.00008.
gnomAD v4.1: 12 of 1,606,396 alleles (0.00075%); highest among the groups gnomAD compares: African/African-American, 0.0053%; no homozygotes.

Submissions (4):

Labcorp Genetics (formerly Invitae), Labcorp
Classification: Uncertain significance for Brugada syndrome 8. Last evaluated: 2026-02-01. Review status: criteria provided, single submitter. Criteria: Invitae Variant Classification Sherloc (09022015). Collection method: clinical testing. Allele origin: germline.
Comment: This sequence change replaces arginine, which is basic and polar, with histidine, which is basic and polar, at codon 758 of the HCN4 protein (p.Arg758His). The frequency data for this variant in the population databases is considered unreliable, as metrics indicate poor data quality at this position in the gnomAD database. This variant has not been reported in the literature in individuals affected with HCN4-related conditions. ClinVar contains an entry for this variant (Variation ID: 198828). Invitae Evidence Modeling of protein sequence and biophysical properties (such as structural, functional, and spatial information, amino acid conservation, physicochemical variation, residue mobility, and thermodynamic stability) indicates that this missense variant is not expected to disrupt HCN4 protein function with a negative predictive value of 95%. In summary, the available evidence is currently insufficient to determine the role of this variant in disease. Therefore, it has been classified as a Variant of Uncertain Significance.

Ambry Genetics
Classification: Likely benign for Cardiovascular phenotype. Last evaluated: 2025-08-08. Review status: criteria provided, single submitter. Criteria: Ambry Variant Classification Scheme 2023. Collection method: clinical testing. Allele origin: germline.

GeneDx
Classification: Uncertain significance. Last evaluated: 2023-01-24. Review status: criteria provided, single submitter. Criteria: GeneDx Variant Classification Process June 2021. Collection method: clinical testing. Allele origin: germline. Affected: yes.
Comment: Not observed at significant frequency in large population cohorts (gnomAD); In silico analysis supports that this missense variant does not alter protein structure/function; Has not been previously published as pathogenic or benign to our knowledge

Eurofins Ntd Llc (ga)
Classification: Uncertain significance. Last evaluated: 2014-07-25. Review status: criteria provided, single submitter. Criteria: EGL Classification Definitions 2015. Collection method: clinical testing. Allele origin: germline. Observed: 1 variant allele, 1 heterozygote.